The following is an entry in ClinVar:

ClinVar aggregate classification (germline): Pathogenic (1 of 4 stars; one submission).

Submission:

Labcorp Genetics (formerly Invitae), Labcorp
Classification: Pathogenic. Last evaluated: 2023-01-16. Review status: criteria provided, single submitter. Criteria: Invitae Variant Classification Sherloc (09022015). Collection method: clinical testing. Allele origin: germline.
Comment: For these reasons, this variant has been classified as Pathogenic. This variant has not been reported in the literature in individuals affected with PDZD7-related conditions. This variant is not present in population databases (gnomAD no frequency). This sequence change creates a premature translational stop signal (p.Arg102Profs*38) in the PDZD7 gene. It is expected to result in an absent or disrupted protein product. Loss-of-function variants in PDZD7 are known to be pathogenic (PMID: 20440071).

Literature cited by the submitters: PubMed 20440071.

NM_001195263.2(PDZD7):c.297_304dup (p.Arg102fs)

Gene: PDZD7 (PDZ domain containing 7; minus strand). Cytogenetic location: 10q24.31.
Variant type: Duplication.
Coding change: c.297_304dup on transcript NM_001195263.2 (MANE Select); coding-DNA positions 297 to 304, 8 bases duplicated (CAGCGTGC; older notation c.297_304dupCAGCGTGC).
Protein change: p.Arg102fs; shifts the reading frame from arginine 102.
Molecular consequence: frameshift variant.
Genome position (GRCh38, 1-based): chr10:101,023,991-101,023,998, GCACGCTG duplicated on the plus strand (CAGCGTGC on the coding strand, the reverse complement: PDZD7 is on the minus strand). VCF-style (leftmost placement, unchanged base first): chr10-101023990-C-CGCACGCTG. GRCh37 (hg19) VCF-style: chr10-102783747-C-CGCACGCTG.
Other names: c.297_304dup, p.Arg102fs (NM_001351044.2, NM_024895.5); short protein forms R102fs.
Identifiers: ClinVar variation 2829220 (VCV002829220.3), dbSNP rs2492973257, ClinGen allele CA2739275953.